The following is an entry in ClinVar:

NM_139321.3(ATRN):c.93G>C (p.Trp31Cys)

Genes: ATRN (attractin; plus strand), LOC130065331 (ATAC-STARR-seq lymphoblastoid silent region 12621; plus strand). Cytogenetic location: 20p13.
Variant type: single nucleotide variant.
Coding change: c.93G>C on transcript NM_139321.3 (MANE Select); coding-DNA position 93, G replaced by C.
Protein change: p.Trp31Cys; replaces tryptophan 31 with cysteine.
Molecular consequence: missense variant. On other transcripts: intron variant (1).
Genome position (GRCh38, 1-based): chr20:3,471,200, G>C. VCF-style: chr20-3471200-G-C. GRCh37 (hg19) VCF-style: chr20-3451847-G-C.
Other names: c.93G>C, p.Trp31Cys (NM_001323332.2, NM_139322.4); c.62+66G>C (NM_001207047.3); short protein forms W31C.
Identifiers: ClinVar variation 1992727 (VCV001992727.4), dbSNP rs1238109620, ClinGen allele CA408251627.
Genomic context (GRCh38, chr20:3,471,200, plus strand): 5'-GCTGAGGAGGAGGACGGCGGCGACGGCAGCGCTCGCGGGCAGGAGCGGCGGGCCGCACTG[G>C]GACTGGGACGTGACCAGGGCTGGGAGGCCGGGGCTGGGGGCCGGGCTGCGCCTCCCGCGG-3'
Protein context (NP_647537.1, residues 21-41): ALAGRSGGPH[Trp31Cys]DWDVTRAGRP

ClinVar aggregate classification (germline): Uncertain significance (1 of 4 stars; one submission).

Allele frequency attached by ClinVar (database versions not stated): gnomAD exomes below 0.00001.
gnomAD v4.1: 2 of 1,501,480 alleles (0.00013%); highest among the groups gnomAD compares: Admixed American, 0.0042%; no homozygotes.

Submission:

Labcorp Genetics (formerly Invitae), Labcorp
Classification: Uncertain significance. Last evaluated: 2023-07-07. Review status: criteria provided, single submitter. Criteria: Invitae Variant Classification Sherloc (09022015). Collection method: clinical testing. Allele origin: germline.
Comment: This sequence change replaces tryptophan, which is neutral and slightly polar, with cysteine, which is neutral and slightly polar, at codon 31 of the ATRN protein (p.Trp31Cys). This variant is present in population databases (no rsID available, gnomAD 0.005%). This variant has not been reported in the literature in individuals affected with ATRN-related conditions. ClinVar contains an entry for this variant (Variation ID: 1992727). Experimental studies and prediction algorithms are not available or were not evaluated, and the functional significance of this variant is currently unknown. In summary, the available evidence is currently insufficient to determine the role of this variant in disease. Therefore, it has been classified as a Variant of Uncertain Significance.